The following is an entry in ClinVar:

NM_001267550.2(TTN):c.34004A>C (p.Lys11335Thr)

Gene: TTN (titin; minus strand). Cytogenetic location: 2q31.2.
Variant type: single nucleotide variant.
Coding change: c.34004A>C on transcript NM_001267550.2 (MANE Select); coding-DNA position 34004, A replaced by C.
Protein change: p.Lys11335Thr; replaces lysine 11335 with threonine.
Molecular consequence: missense variant. On other transcripts: intron variant (3).
Genome position (GRCh38, 1-based): chr2:178,677,908, T>G on the plus strand (A>C on the coding strand, the complement: TTN is on the minus strand). VCF-style: chr2-178677908-T-G. GRCh37 (hg19) VCF-style: chr2-179542635-T-G.
Other names: c.33053A>C, p.Lys11018Thr (NM_001256850.1); c.30272A>C, p.Lys10091Thr (NM_133378.4); c.13283-35591A>C (NM_003319.4); c.13859-35591A>C (NM_133437.4); c.13658-35591A>C (NM_133432.3); short protein forms K10091T, K11018T, K11335T.
Identifiers: ClinVar variation 3357441 (VCV003357441.1).
Genomic context (GRCh38, chr2:178,677,908, plus strand): 5'-TCTTCAAATAGAACTTCCTCTTCCTGAGGTAGAGCTACAGGAACTGGAACTGGTTCACGT[T>G]TCTTTGGCACTTTAAAGATATTTATTCAAGGGTACAAACATCACTTTTATGTAAAATATT-3'
Protein context (NP_001254479.2, residues 11325-11345): VEAPPPKVPK[Lys11335Thr]REPVPVPVAL

ClinVar aggregate classification (germline): Uncertain significance (0 of 4 stars; one submission).

Conditions:
TTN-related disorder. Also called: TTN-related condition; TTN-related disease; TTN-related disorders.

gnomAD v4.1: 1 of 1,597,234 alleles (0.000063%); highest among the groups gnomAD compares: East Asian, 0.0022%; no homozygotes.

Submission:

PreventionGenetics, part of Exact Sciences
Classification: Uncertain significance for TTN-related condition. Last evaluated: 2024-04-18. Review status: no assertion criteria provided. Collection method: clinical testing. Allele origin: germline.
Comment: The TTN c.34004A>C variant is predicted to result in the amino acid substitution p.Lys11335Thr. To our knowledge, this variant has not been reported in the literature. This variant is reported in 0.0059% of alleles in individuals of East Asian descent in gnomAD. At this time, the clinical significance of this variant is uncertain due to the absence of conclusive functional and genetic evidence.